The following is an entry in ClinVar:

NM_000552.5(VWF):c.3569G>A (p.Cys1190Tyr)

Gene: VWF (von Willebrand factor; minus strand). Cytogenetic location: 12p13.31.
Variant type: single nucleotide variant.
Coding change: c.3569G>A on transcript NM_000552.5 (MANE Select); coding-DNA position 3569, G replaced by A.
Protein change: p.Cys1190Tyr; replaces cysteine 1190 with tyrosine.
Molecular consequence: missense variant.
Genome position (GRCh38, 1-based): chr12:6,022,005, C>T on the plus strand (G>A on the coding strand, the complement: VWF is on the minus strand). VCF-style: chr12-6022005-C-T. GRCh37 (hg19) VCF-style: chr12-6131171-C-T.
Other names: p.C1190Y; NM_000552.5(VWF):c.3569G>A; p.Cys1190Tyr; short protein forms C1190Y.
Identifiers: ClinVar variation 626960 (VCV000626960.7), dbSNP rs1591865026, ClinGen allele CA383510975.

ClinVar aggregate classification (germline): Pathogenic. Review status: reviewed by expert panel (3 of 4 stars). 6 submissions from 5 submitters: Pathogenic (1). 5 of the submissions do not count toward it. Last evaluated 2025-05-06.

Conditions:
von Willebrand disease type 2 (VWD2). Also called: VON WILLEBRAND DISEASE, TYPE 2A/IIE; VON WILLEBRAND DISEASE, TYPE 2CB; VON WILLEBRAND DISEASE, TYPE II; VWD, TYPE 2. Identifiers: Orphanet 166081, Orphanet 903, MedGen C1264040, MONDO:0013304, OMIM 613554.
von Willebrand disease type 1 (VWD1). Also called: VON WILLEBRAND DISEASE, TYPE I; VWD, TYPE 1. Identifiers: Orphanet 166078, Orphanet 903, MedGen C1264039, MONDO:0008668, OMIM 193400. Inheritance: autosomal recessive or autosomal dominant.
Reduced von Willebrand factor activity. Identifiers: MedGen C4024701, HP:0008330.
Von Willebrand disease type 2A. Identifiers: Orphanet 166084, MedGen C1282968, MONDO:0015628. Inheritance: Autosomal recessive or autosomal dominant.

Allele frequency attached by ClinVar (database versions not stated): gnomAD exomes below 0.00001.

Submissions (6):

ClinGen von Willebrand Disease Variant Curation Expert Panel, ClinGen
Classification: Pathogenic for Von Willebrand disease type 2A. Last evaluated: 2025-05-06. Review status: reviewed by expert panel. Criteria: ClinGen VWD 2A B M Rules. Collection method: curation. Allele origin: germline. Inheritance: Autosomal dominant inheritance.
Comment: The NM_000552.5:c.3569G>A variant in VWF is a missense variant predicted to cause substitution of cysteine by tyrosine at amino acid 1190 (p.Cys1190Tyr). At least 1 patient with this variant displayed excessive mucocutaneous bleeding as well as laboratory phenotypes of very low VWF activity, low activity/VWF:Ag ratio, and loss of high molecular weight multimers, which together are highly specific for VWD type 2A. (PP4_moderate, PMID 34532631). Additional consistent phenotypes were also reported in the patient, specifically, FVIII activity consistent with VWF antigen. This variant has been reported in 5 additional probands meeting PP4 laboratory phenotype criteria (PS4; PMID 20351307, 32864553, 32803740, 34355501). Another missense variant NM_000552.5:c.3568T>C (p.Cys1190Arg) in the same codon has been classified as pathogenic for VWD type 2A by the ClinGen VWD VCEP (PM5). The Grpmax filtering allele frequency in gnomAD v4.1 is 0.0000006195 (1/1180046 European non-Finnish population), which is lower than the ClinGen VWD VCEP threshold of <0.0001 for type 2A (PM2_Supporting). The computational predictor REVEL gives a score of 0.947, which is above the ClinGen VWD VCEP threshold of >0.644 and predicts a damaging effect on VWF function (PP3). In summary, this variant meets the criteria to be classified as pathogenic for autosomal dominant VWF type 2A based on the ACMG/AMP criteria applied, as specified by the ClinGen VWD VCEP: PP4_Moderate, PS4, PM5, PM2_Supporting, PP3. (ClinGen von Willebrand Disease Expert Panel Specifications to the ACMG/AMP Variant Interpretation Guidelines for VWF Version 1.0.0)

Women's Health and Genetics/Laboratory Corporation of America, LabCorp
Classification: Uncertain significance. Last evaluated: 2023-06-26. Review status: criteria provided, single submitter. Criteria: LabCorp Variant Classification Summary - May 2015. Collection method: clinical testing. Allele origin: germline. Not counted in ClinVar's aggregate classification.
Comment: Variant summary: VWF c.3569G>A (p.Cys1190Tyr) results in a non-conservative amino acid change located in the trypsin inhibitor-like, cysteine rich domain (IPR002919) of the encoded protein sequence. Five of five in-silico tools predict a damaging effect of the variant on protein function. The variant was absent in 251494 control chromosomes (gnomAD). c.3569G>A has been reported in the literature in the heterozygous state in individuals affected with or suspected of autosomal dominant Von Willebrand Disease (e.g. Schneppenheim_2010, Downes_2019, de Jong_2020). These data indicate that the variant may be associated with disease. Publications examining the functional impact of the variant in a heterozygous patient found that it resulted in an increased retention of unprocessed VWF in the ER compared to the WT protein, however it was not clear whether this effect was at a level sufficient to cause disease as although the patient had reduced high molecular weight VWF multimers in plasma, platelet multimers were found to be indistinguishable from healthy controls (de Jong_2020, Swinkels_2021). The following publications have been ascertained in the context of this evaluation (PMID: 31064749, 20351307, 32803740, 34532631). Two submitters have cited clinical-significance assessments for this variant to ClinVar after 2014 and both classified the variant as likely pathogenic. Based on the evidence outlined above, the variant was classified as VUS-possibly pathogenic.

Laboratory of Hematology, Radboud University Medical Center
Classification: Likely pathogenic for von Willebrand disease type 2. Last evaluated: 2020-12-10. Review status: criteria provided, single submitter. Criteria: ACMG Guidelines, 2015. Collection method: research. Allele origin: germline. Affected: yes. Observed: 2 variant alleles. Study: WIN study. Not counted in ClinVar's aggregate classification.

NIHR Bioresource Rare Diseases, University of Cambridge
Classification: Likely pathogenic for von Willebrand disease type 2. Last evaluated: 2019-02-01. Review status: criteria provided, single submitter. Criteria: ACMG Guidelines, 2015. Collection method: research. Allele origin: unknown. Affected: yes. Observed: 1 heterozygote. Study: ThromboGenomics. Not counted in ClinVar's aggregate classification.

ISTH-SSC Genomics in Thrombosis and Hemostasis, KU Leuven, Center for Molecular and Vascular Biology
Classification: Likely pathogenic for von Willebrand disease type 1. Review status: criteria provided, single submitter. Criteria: ACMG Guidelines, 2015. Collection method: clinical testing. Allele origin: unknown. Affected: yes. Observed: 2 heterozygotes. Clinical features observed: Von Willebrand disease type 1, Von Willebrand disease type 2. Not counted in ClinVar's aggregate classification.
Comment: GoldVariant submitter: Prof Kathleen Freson Center for Molecular and Vascular Biology, Leuven, Belgium

NIHR Bioresource Rare Diseases, University of Cambridge
Classification: Likely pathogenic for Reduced von Willebrand factor activity. Review status: no assertion criteria provided. Collection method: research. Allele origin: unknown. Affected: yes. Observed: 1 variant allele. Not counted in ClinVar's aggregate classification.

Literature cited by the submitters: PubMed 31064749 (cited by Women's Health and Genetics/Laboratory Corporation of America, LabCorp and NIHR Bioresource Rare Diseases, University of Cambridge); PubMed 20351307 (cited by Women's Health and Genetics/Laboratory Corporation of America, LabCorp); PubMed 34532631 (cited by Women's Health and Genetics/Laboratory Corporation of America, LabCorp); PubMed 32803740 (cited by Women's Health and Genetics/Laboratory Corporation of America, LabCorp); PubMed 34355501 (cited by ISTH-SSC Genomics in Thrombosis and Hemostasis, KU Leuven, Center for Molecular and Vascular Biology); PubMed 32581362 (cited by NIHR Bioresource Rare Diseases, University of Cambridge).